The following is an entry in ClinVar:

ClinVar aggregate classification (germline): Uncertain significance (1 of 4 stars; one submission).

Submission:

Labcorp Genetics (formerly Invitae), Labcorp
Classification: Uncertain significance. Last evaluated: 2023-12-22. Review status: criteria provided, single submitter. Criteria: Invitae Variant Classification Sherloc (09022015). Collection method: clinical testing. Allele origin: unknown.
Comment: This variant results in a copy number gain of the genomic region encompassing exon(s) 7-18 of the C6 gene. This region includes the termination codon of the gene. This copy number gain extends beyond the assayed region for this gene and therefore may encompass additional genes. As the precise location of this event is unknown, it may be in tandem or it may be located elsewhere in the genome. This variant has not been reported in the literature in individuals affected with C6-related conditions. In summary, the available evidence is currently insufficient to determine the role of this variant in disease. Therefore, it has been classified as a Variant of Uncertain Significance.

NC_000005.9:g.(?_41142927)_(41181681_?)dup

Gene: C6 (complement C6; minus strand). Cytogenetic location: 5p13.1.
Variant type: Duplication.
Identifiers: ClinVar variation 3246427 (VCV003246427.1).